The following is an entry in ClinVar:

ClinVar aggregate classification (germline): Uncertain significance. Review status: criteria provided, multiple submitters, no conflicts (2 of 4 stars). 2 submissions from 2 submitters: Uncertain significance (2). Last evaluated 2025-07-16.

Conditions:
Warburg micro syndrome 2 (WARBM2). Also called: MICRO SYNDROME 2. Identifiers: Orphanet 2510, MedGen C3280214, MONDO:0013641, OMIM 614225.
Martsolf syndrome (MARTS). Also called: Congenital cataract with intellectual disability and hypogonadotropic hypogonadism syndrome. Identifiers: Orphanet 1387, MedGen C0796037, MONDO:0023910.
Inborn genetic diseases. Identifiers: MedGen C0950123, MeSH D030342.

Allele frequency attached by ClinVar (database versions not stated): gnomAD exomes below 0.00001.
gnomAD v4.1: 1 of 1,614,224 alleles (0.000062%); highest among the groups gnomAD compares: Non-Finnish European, 0.000085%; no homozygotes.

Submissions (2):

Ambry Genetics
Classification: Uncertain significance for Inborn genetic diseases. Last evaluated: 2025-07-16. Review status: criteria provided, single submitter. Criteria: Ambry Variant Classification Scheme 2023. Collection method: clinical testing. Allele origin: germline.

Labcorp Genetics (formerly Invitae), Labcorp
Classification: Uncertain significance for Martsolf syndrome; Warburg micro syndrome 2. Last evaluated: 2022-08-13. Review status: criteria provided, single submitter. Criteria: Invitae Variant Classification Sherloc (09022015). Collection method: clinical testing. Allele origin: germline.
Comment: In summary, the available evidence is currently insufficient to determine the role of this variant in disease. Therefore, it has been classified as a Variant of Uncertain Significance. Algorithms developed to predict the effect of missense changes on protein structure and function (SIFT, PolyPhen-2, Align-GVGD) all suggest that this variant is likely to be tolerated. This variant has not been reported in the literature in individuals affected with RAB3GAP2-related conditions. This variant is not present in population databases (gnomAD no frequency). This sequence change replaces threonine, which is neutral and polar, with isoleucine, which is neutral and non-polar, at codon 1238 of the RAB3GAP2 protein (p.Thr1238Ile).

NM_012414.4(RAB3GAP2):c.3713C>T (p.Thr1238Ile)

Gene: RAB3GAP2 (RAB3 GTPase activating non-catalytic protein subunit 2; minus strand). Cytogenetic location: 1q41.
Variant type: single nucleotide variant.
Coding change: c.3713C>T on transcript NM_012414.4 (MANE Select); coding-DNA position 3713, C replaced by T.
Protein change: p.Thr1238Ile; replaces threonine 1238 with isoleucine.
Molecular consequence: missense variant.
Genome position (GRCh38, 1-based): chr1:220,153,339, G>A on the plus strand (C>T on the coding strand, the complement: RAB3GAP2 is on the minus strand). VCF-style: chr1-220153339-G-A. GRCh37 (hg19) VCF-style: chr1-220326681-G-A.
Other names: c.3713C>T (NM_012414.3); short protein forms T1238I.
Identifiers: ClinVar variation 2080653 (VCV002080653.5), dbSNP rs2528607915, ClinGen allele CA344627251.